The following is an entry in ClinVar:

NM_001160148.2(DDHD1):c.325GGC[10] (p.Gly112_Ser113insGlyGlyGlyGlyGlyGly)

Gene: DDHD1 (DDHD domain containing 1; minus strand). Cytogenetic location: 14q22.1.
Variant type: Microsatellite.
Coding change: c.325GGC[10] on transcript NM_001160148.2 (MANE Select); ten copies in a row of the 3-base unit GGC starting at c.325.
Protein change: p.Gly112_Ser113insGlyGlyGlyGlyGlyGly.
Molecular consequence: inframe insertion.
Genome position: GRCh38 VCF-style: chr14-53152762-T-TGCCGCCGCCGCCGCCGCC. GRCh37 (hg19) VCF-style: chr14-53619480-T-TGCCGCCGCCGCCGCCGCC.
Other names: c.325GGC[10], p.Gly112_Ser113insGlyGlyGlyGlyGlyGly (NM_001160147.2, NM_030637.3).
Identifiers: ClinVar variation 639067 (VCV000639067.6), dbSNP rs55671452, ClinGen allele CA706769815.

ClinVar aggregate classification (germline): Uncertain significance (1 of 4 stars; one submission).

Conditions:
Hereditary spastic paraplegia 28. Also called: Spastic paraplegia 28, autosomal recessive. Identifiers: Orphanet 101008, MedGen C1836295, MONDO:0012256, OMIM 609340.

Submission:

Labcorp Genetics (formerly Invitae), Labcorp
Classification: Uncertain significance for Hereditary spastic paraplegia 28. Last evaluated: 2025-12-03. Review status: criteria provided, single submitter. Criteria: Invitae Variant Classification Sherloc (09022015). Collection method: clinical testing. Allele origin: germline.
Comment: This variant, c.336_337insGGCGGCGGCGGCGGCGGC, results in the insertion of 6 amino acid(s) of the DDHD1 protein (p.Gly112_Ser113insGlyGlyGlyGlyGlyGly), but otherwise preserves the integrity of the reading frame. This variant is not present in population databases (gnomAD no frequency). This variant has not been reported in the literature in individuals affected with DDHD1-related conditions. ClinVar contains an entry for this variant (Variation ID: 639067). Experimental studies and prediction algorithms are not available or were not evaluated, and the functional significance of this variant is currently unknown. In summary, the available evidence is currently insufficient to determine the role of this variant in disease. Therefore, it has been classified as a Variant of Uncertain Significance.